The following is an entry in ClinVar:

NM_000781.3(CYP11A1):c.694C>T (p.Arg232Ter)

Gene: CYP11A1 (cytochrome P450 family 11 subfamily A member 1; minus strand). Cytogenetic location: 15q24.1.
Variant type: single nucleotide variant.
Coding change: c.694C>T on transcript NM_000781.3 (MANE Select); coding-DNA position 694, C replaced by T.
Protein change: p.Arg232Ter; replaces arginine 232 with a stop codon.
Molecular consequence: nonsense.
Genome position (GRCh38, 1-based): chr15:74,343,924, G>A on the plus strand (C>T on the coding strand, the complement: CYP11A1 is on the minus strand). VCF-style: chr15-74343924-G-A. GRCh37 (hg19) VCF-style: chr15-74636265-G-A.
Other names: c.220C>T, p.Arg74Ter (NM_001099773.2); short protein forms R232*, R74*.
Identifiers: ClinVar variation 1322181 (VCV001322181.9), dbSNP rs755186597, ClinGen allele CA7656488.

ClinVar aggregate classification (germline): Pathogenic. Review status: criteria provided, multiple submitters, no conflicts (2 of 4 stars). 6 submissions from 6 submitters: Pathogenic (6). Last evaluated 2024-05-13.

Conditions:
Congenital adrenal insufficiency with 46, XY sex reversal OR 46,XY disorder of sex development-adrenal insufficiency due to CYP11A1 deficiency. Also called: Congenital adrenal insuffiency with 46, XY sex reversal OR 46,XY disorder of sex development-adrenal insufficiency due to CYP11A1 deficiency; P450scc DEFICIENCY. Identifiers: Orphanet 168558, MedGen C3151055, MONDO:0013400, OMIM 613743.
21-Hydroxylase-Deficient Congenital Adrenal Hyperplasia. Also called: ADRENAL HYPERPLASIA III; ADRENAL HYPERPLASIA, CONGENITAL, DUE TO 21-HYDROXYLASE DEFICIENCY. Identifiers: MedGen C2936858, OMIM 201910.

Allele frequency attached by ClinVar (database versions not stated): TOPMed 0.00002; gnomAD 0.00001; ExAC 0.00002; gnomAD exomes 0.00001.

Submissions (6):

Myriad Genetics, Inc.
Classification: Pathogenic for Congenital adrenal insufficiency with 46, XY sex reversal OR 46,XY disorder of sex development-adrenal insufficiency due to CYP11A1 deficiency. Last evaluated: 2024-05-13. Review status: criteria provided, single submitter. Criteria: Myriad Autosomal Dominant, Autosomal Recessive and X-Linked Classification Criteria (2023). Collection method: clinical testing. Allele origin: unknown.
Comment: NM_000781.2(CYP11A1):c.694C>T(R232*) is expected to be pathogenic in the context of congenital adrenal hyperplasia, CYP11A1-related. This variant is predicted to lead to an abnormal or absent protein product due to the creation of a premature termination codon in CYP11A1, a gene where loss-of-function variants are known to be pathogenic. Please note: this variant was assessed in the context of healthy population screening.

Genomic Medicine Center of Excellence, King Faisal Specialist Hospital and Research Centre
Classification: Pathogenic for 21-Hydroxylase-Deficient Congenital Adrenal Hyperplasia. Last evaluated: 2024-03-25. Review status: criteria provided, single submitter. Criteria: ACMG Guidelines, 2015. Collection method: clinical testing. Allele origin: germline.

GeneDx
Classification: Pathogenic. Last evaluated: 2023-11-12. Review status: criteria provided, single submitter. Criteria: GeneDx Variant Classification Process June 2021. Collection method: clinical testing. Allele origin: germline. Affected: yes.
Comment: Nonsense variant predicted to result in protein truncation or nonsense mediated decay in a gene for which loss of function is a known mechanism of disease; This variant is associated with the following publications: (PMID: 23337730)

Labcorp Genetics (formerly Invitae), Labcorp
Classification: Pathogenic. Last evaluated: 2023-04-28. Review status: criteria provided, single submitter. Criteria: Invitae Variant Classification Sherloc (09022015). Collection method: clinical testing. Allele origin: germline.
Comment: ClinVar contains an entry for this variant (Variation ID: 1322181). This sequence change creates a premature translational stop signal (p.Arg232*) in the CYP11A1 gene. It is expected to result in an absent or disrupted protein product. Loss-of-function variants in CYP11A1 are known to be pathogenic (PMID: 15507506, 22435390, 27855232, 229968487). This variant is present in population databases (rs755186597, gnomAD 0.007%). This premature translational stop signal has been observed in individual(s) with adrenal insufficiency (PMID: 23337730). For these reasons, this variant has been classified as Pathogenic.

Mendelics
Classification: Pathogenic for Congenital adrenal insufficiency with 46, XY sex reversal OR 46,XY disorder of sex development-adrenal insufficiency due to CYP11A1 deficiency. Last evaluated: 2022-05-04. Review status: criteria provided, single submitter. Criteria: Mendelics Assertion Criteria 2019. Collection method: clinical testing. Allele origin: germline.

Revvity Omics, Revvity
Classification: Pathogenic for Congenital adrenal insufficiency with 46, XY sex reversal OR 46,XY disorder of sex development-adrenal insufficiency due to CYP11A1 deficiency. Last evaluated: 2021-02-15. Review status: criteria provided, single submitter. Criteria: ACMG Guidelines, 2015. Collection method: clinical testing. Allele origin: germline.

Literature cited by the submitters: PubMed 15507506 (cited by Labcorp Genetics (formerly Invitae), Labcorp); PubMed 22435390 (cited by Labcorp Genetics (formerly Invitae), Labcorp); PubMed 27855232 (cited by Labcorp Genetics (formerly Invitae), Labcorp); PubMed 229968487 (cited by Labcorp Genetics (formerly Invitae), Labcorp); PubMed 23337730 (cited by Labcorp Genetics (formerly Invitae), Labcorp).